The following is an entry in ClinVar:

NM_001291303.3(FAT4):c.6843+4A>G

Gene: FAT4 (FAT atypical cadherin 4; plus strand). Cytogenetic location: 4q28.1.
Variant type: single nucleotide variant.
Coding change: c.6843+4A>G on transcript NM_001291303.3 (MANE Select); 4 bases into the intron after coding-DNA position 6843, A replaced by G.
Molecular consequence: intron variant.
Genome position (GRCh38, 1-based): chr4:125,415,810, A>G. VCF-style: chr4-125415810-A-G. GRCh37 (hg19) VCF-style: chr4-126336965-A-G.
Other names: c.6843+4A>G (NM_001291285.3, NM_024582.6, NM_024582.5).
Identifiers: ClinVar variation 1952423 (VCV001952423.5), dbSNP rs768191107, ClinGen allele CA3072992.

ClinVar aggregate classification (germline): Uncertain significance. Review status: criteria provided, multiple submitters, no conflicts (2 of 4 stars). 2 submissions from 2 submitters: Uncertain significance (2). Last evaluated 2024-07-04.

Conditions:
Van Maldergem syndrome 2 (VMLDS2). Identifiers: Orphanet 314679, MedGen C3809875, MONDO:0014242, OMIM 615546.
Hennekam lymphangiectasia-lymphedema syndrome 2 (HKLLS2). Identifiers: Orphanet 2136, MedGen C4014939, MONDO:0014454, OMIM 616006.

Allele frequency attached by ClinVar (database versions not stated): TOPMed 0.00001; ExAC 0.00002; gnomAD exomes 0.00002; gnomAD 0.00003.
gnomAD v4.1: 30 of 1,586,238 alleles (0.0019%); highest among the groups gnomAD compares: Non-Finnish European, 0.0025%; no homozygotes.

Submissions (2):

Labcorp Genetics (formerly Invitae), Labcorp
Classification: Uncertain significance. Last evaluated: 2024-07-04. Review status: criteria provided, single submitter. Criteria: Invitae Variant Classification Sherloc (09022015). Collection method: clinical testing. Allele origin: germline.
Comment: This sequence change falls in intron 5 of the FAT4 gene. It does not directly change the encoded amino acid sequence of the FAT4 protein. It affects a nucleotide within the consensus splice site. This variant is present in population databases (rs768191107, gnomAD 0.007%). This variant has not been reported in the literature in individuals affected with FAT4-related conditions. ClinVar contains an entry for this variant (Variation ID: 1952423). Variants that disrupt the consensus splice site are a relatively common cause of aberrant splicing (PMID: 17576681, 9536098). Algorithms developed to predict the effect of sequence changes on RNA splicing suggest that this variant is not likely to affect RNA splicing. In summary, the available evidence is currently insufficient to determine the role of this variant in disease. Therefore, it has been classified as a Variant of Uncertain Significance.

Fulgent Genetics
Classification: Uncertain significance for Van Maldergem syndrome 2; Hennekam lymphangiectasia-lymphedema syndrome 2. Last evaluated: 2024-05-31. Review status: criteria provided, single submitter. Criteria: ACMG Guidelines, 2015. Collection method: clinical testing. Allele origin: germline.

Literature cited by the submitters: PubMed 17576681 (cited by Labcorp Genetics (formerly Invitae), Labcorp); PubMed 9536098 (cited by Labcorp Genetics (formerly Invitae), Labcorp).